The following is an entry in ClinVar:

NM_005431.2(XRCC2):c.811A>T (p.Ile271Phe)

Gene: XRCC2 (X-ray repair cross complementing 2; minus strand). Cytogenetic location: 7q36.1.
Variant type: single nucleotide variant.
Coding change: c.811A>T on transcript NM_005431.2 (MANE Select); coding-DNA position 811, A replaced by T.
Protein change: p.Ile271Phe; replaces isoleucine 271 with phenylalanine.
Molecular consequence: missense variant.
Genome position (GRCh38, 1-based): chr7:152,648,674, T>A on the plus strand (A>T on the coding strand, the complement: XRCC2 is on the minus strand). VCF-style: chr7-152648674-T-A. GRCh37 (hg19) VCF-style: chr7-152345759-T-A.
Other names: short protein forms I271F.
Identifiers: ClinVar variation 4866843 (VCV004866843.1).

ClinVar aggregate classification (germline): Uncertain significance (1 of 4 stars; one submission).

Conditions:
Hereditary cancer-predisposing syndrome. Also called: Neoplastic Syndromes, Hereditary; Tumor predisposition; Hereditary Cancer Syndrome; Hereditary neoplastic syndrome. Identifiers: Orphanet 140162, MedGen C0027672, MeSH D009386, MONDO:0015356.

Submission:

Ambry Genetics
Classification: Uncertain significance for Hereditary cancer-predisposing syndrome. Last evaluated: 2026-05-02. Review status: criteria provided, single submitter. Criteria: Ambry Variant Classification Scheme 2023. Collection method: clinical testing. Allele origin: germline.
Comment: The p.I271F variant (also known as c.811A>T), located in coding exon 3 of the XRCC2 gene, results from an A to T substitution at nucleotide position 811. The isoleucine at codon 271 is replaced by phenylalanine, an amino acid with highly similar properties. This amino acid position is conserved. In addition, this alteration is predicted to be tolerated by in silico analysis. Based on the available evidence, the clinical significance of this variant remains unclear.